The following is an entry in ClinVar:

ClinVar aggregate classification (germline): Benign/Likely benign. Review status: criteria provided, multiple submitters, no conflicts (2 of 4 stars). 2 submissions from 2 submitters: Benign (1); Likely benign (1). Last evaluated 2026-09-24.

Conditions:
KIF5C-related disorder. Also called: KIF5C-related condition.

Allele frequency attached by ClinVar (database versions not stated): ESP Exome Variant Server 0.00008; gnomAD exomes 0.00016 and 0.00033; 1000 Genomes Project 0.00020; ExAC 0.00023; gnomAD 0.00026; TOPMed 0.00030; 1000 Genomes Project 30x 0.00031.
gnomAD v4.1: 283 of 1,614,062 alleles (0.018%); highest among the groups gnomAD compares: East Asian, 0.047%; 1 homozygote.

Submissions (2):

PreventionGenetics, part of Exact Sciences
Classification: Likely benign for KIF5C-related condition. Last evaluated: 2026-09-24. Review status: criteria provided, single submitter. Criteria: ACMG Guidelines, 2015. Collection method: clinical testing. Allele origin: germline.
Comment: This variant is classified as likely benign based on ACMG/AMP sequence variant interpretation guidelines (Richards et al. 2015 PMID: 25741868, with internal and published modifications).

GeneDx
Classification: Benign. Last evaluated: 2021-03-03. Review status: criteria provided, single submitter. Criteria: GeneDx Variant Classification Process June 2021. Collection method: clinical testing. Allele origin: germline. Affected: yes.

NM_004522.3(KIF5C):c.2814C>T (p.Ala938=)

Gene: KIF5C (kinesin family member 5C; plus strand). Cytogenetic location: 2q23.2.
Variant type: single nucleotide variant.
Coding change: c.2814C>T on transcript NM_004522.3 (MANE Select); coding-DNA position 2814, C replaced by T.
Protein change: p.Ala938=; no amino-acid change (alanine 938 retained).
Molecular consequence: synonymous variant. On other transcripts: non-coding transcript variant (1).
Genome position (GRCh38, 1-based): chr2:149,011,616, C>T. VCF-style: chr2-149011616-C-T. GRCh37 (hg19) VCF-style: chr2-149868130-C-T.
Identifiers: ClinVar variation 1222829 (VCV001222829.4), dbSNP rs200104621, ClinGen allele CA1901794.